The following is an entry in ClinVar:

ClinVar aggregate classification (germline): Likely pathogenic. Review status: criteria provided, single submitter (1 of 4 stars). 3 submissions from 3 submitters: Likely pathogenic (1). 2 of the submissions do not count toward it. Last evaluated 2025-09-18.

Conditions:
Charcot-Marie-Tooth disease axonal type 2L. Also called: Charcot-Marie-Tooth Neuropathy Type 2L; CHARCOT-MARIE-TOOTH DISEASE, AXONAL, AUTOSOMAL DOMINANT, TYPE 2L; CHARCOT-MARIE-TOOTH NEUROPATHY, AXONAL, TYPE 2L. Identifiers: Orphanet 99945, MedGen C1837552, MONDO:0012096, OMIM 608673.
Charcot-Marie-Tooth disease. Also called: Charcot-Marie-Tooth Neuropathy; Charcot-Marie-Tooth Hereditary Neuropathy. Identifiers: Orphanet 166, MedGen C0007959, MONDO:0015626.

Submissions (3):

3billion
Classification: Likely pathogenic for Charcot-Marie-Tooth disease axonal type 2L. Last evaluated: 2025-09-18. Review status: criteria provided, single submitter. Criteria: ACMG Guidelines, 2015. Collection method: clinical testing. Allele origin: germline. Affected: yes.
Comment: The variant is not observed in the gnomAD v4.1.0 dataset. Predicted Consequence/Location: Missense variant In silico tool predictions suggest damaging effect of the variant on gene or gene product [REVEL: 0.94 (>=0.6, sensitivity 0.68 and specificity 0.92)]. The same nucleotide change resulting in the same amino acid change has been previously reported to be associated with HSPB8-related disorder (ClinVar ID: VCV000637689 /PMID: 23796487).Different missense changes at the same codon (p.Lys141Asn, p.Lys141Glu, p.Lys141Met) have been reported as pathogenic/likely pathogenic with strong evidence (ClinVar ID: VCV000002617, VCV000002618, VCV000002619, VCV000560412 /PMID: 15122253, 15565283, 28144995 /3billion dataset). Therefore, this variant is classified as Likely pathogenic according to the recommendation of ACMG/AMP guideline.

OMIM
Classification: Pathogenic for CHARCOT-MARIE-TOOTH DISEASE, AXONAL, TYPE 2L. Last evaluated: 2025-02-06. Review status: no assertion criteria provided. Collection method: literature only. Allele origin: germline. Not counted in ClinVar's aggregate classification.

Inherited Neuropathy Consortium
Classification: Uncertain significance for Charcot-Marie-Tooth disease. Review status: no assertion criteria provided. Collection method: literature only. Allele origin: germline. Affected: yes. Not counted in ClinVar's aggregate classification.

Literature cited by the submitters: PubMed 15122253 (cited by 3billion); PubMed 23796487 (cited by 3 submitters).

NM_014365.3(HSPB8):c.422A>C (p.Lys141Thr)

Gene: HSPB8 (heat shock protein family B (small) member 8; plus strand). Cytogenetic location: 12q24.23.
Variant type: single nucleotide variant.
Coding change: c.422A>C on transcript NM_014365.3 (MANE Select); coding-DNA position 422, A replaced by C.
Protein change: p.Lys141Thr; replaces lysine 141 with threonine.
Molecular consequence: missense variant.
Genome position (GRCh38, 1-based): chr12:119,187,079, A>C. VCF-style: chr12-119187079-A-C. GRCh37 (hg19) VCF-style: chr12-119624884-A-C.
Other names: short protein forms K141T.
Identifiers: ClinVar variation 637689 (VCV000637689.2), dbSNP rs1565929090, ClinGen allele CA386529565.